The following is an entry in ClinVar:

ClinVar aggregate classification (germline): Uncertain significance (1 of 4 stars; one submission).

Allele frequency attached by ClinVar (database versions not stated): gnomAD exomes below 0.00001; ExAC 0.00001.
gnomAD v4.1: 5 of 1,612,930 alleles (0.00031%); highest among the groups gnomAD compares: Non-Finnish European, 0.00042%; no homozygotes.

Submission:

Labcorp Genetics (formerly Invitae), Labcorp
Classification: Uncertain significance. Last evaluated: 2022-04-28. Review status: criteria provided, single submitter. Criteria: Invitae Variant Classification Sherloc (09022015). Collection method: clinical testing. Allele origin: germline.
Comment: This variant has not been reported in the literature in individuals affected with RBP3-related conditions. Algorithms developed to predict the effect of missense changes on protein structure and function are either unavailable or do not agree on the potential impact of this missense change (SIFT: "Deleterious"; PolyPhen-2: "Possibly Damaging"; Align-GVGD: "Class C0"). In summary, the available evidence is currently insufficient to determine the role of this variant in disease. Therefore, it has been classified as a Variant of Uncertain Significance. This variant is present in population databases (rs782691907, gnomAD 0.0009%). This sequence change replaces serine, which is neutral and polar, with phenylalanine, which is neutral and non-polar, at codon 681 of the RBP3 protein (p.Ser681Phe).

NM_002900.3(RBP3):c.2042C>T (p.Ser681Phe)

Gene: RBP3 (retinol binding protein 3; plus strand). Cytogenetic location: 10q11.22.
Variant type: single nucleotide variant.
Coding change: c.2042C>T on transcript NM_002900.3 (MANE Select); coding-DNA position 2042, C replaced by T.
Protein change: p.Ser681Phe; replaces serine 681 with phenylalanine.
Molecular consequence: missense variant.
Genome position (GRCh38, 1-based): chr10:47,350,526, C>T. VCF-style: chr10-47350526-C-T. GRCh37 (hg19) VCF-style: chr10-48388836-G-A.
Other names: short protein forms S681F.
Identifiers: ClinVar variation 2109587 (VCV002109587.4), dbSNP rs782691907, ClinGen allele CA5487371.